The following is an entry in ClinVar:

NM_006767.4(LZTR1):c.466A>T (p.Lys156Ter)

Gene: LZTR1 (leucine zipper like post translational regulator 1; plus strand). Cytogenetic location: 22q11.21.
Variant type: single nucleotide variant.
Coding change: c.466A>T on transcript NM_006767.4 (MANE Select); coding-DNA position 466, A replaced by T.
Protein change: p.Lys156Ter; replaces lysine 156 with a stop codon.
Molecular consequence: nonsense.
Genome position (GRCh38, 1-based): chr22:20,988,075, A>T. VCF-style: chr22-20988075-A-T. GRCh37 (hg19) VCF-style: chr22-21342364-A-T.
Other names: short protein forms K156*.
Identifiers: ClinVar variation 3541580 (VCV003541580.1).
Genomic context (GRCh38, chr22:20,988,075, plus strand): 5'-TACACTGGGGACATTTATTCCAATTCTAACTTGAAGAATAAAAACGACCTCTTTGAATAC[A>T]AGTTTGCAACTGGCCAGTGGACGGAGTGGAAAATTGAAGGACGGTGAGAAACTTTGCAGA-3'

ClinVar aggregate classification (germline): Pathogenic (1 of 4 stars; one submission).

Conditions:
Hereditary cancer-predisposing syndrome. Also called: Hereditary Cancer Syndrome; Hereditary neoplastic syndrome; Tumor predisposition; Neoplastic Syndromes, Hereditary. Identifiers: Orphanet 140162, MedGen C0027672, MeSH D009386, MONDO:0015356.
Cardiovascular phenotype. Identifiers: MedGen CN230736.

Submission:

Ambry Genetics
Classification: Pathogenic for Cardiovascular phenotype; Hereditary cancer-predisposing syndrome. Last evaluated: 2024-07-23. Review status: criteria provided, single submitter. Criteria: Ambry Variant Classification Scheme 2023. Collection method: clinical testing. Allele origin: germline.
Comment: The p.K156* variant (also known as c.466A>T), located in coding exon 5 of the LZTR1 gene, results from an A to T substitution at nucleotide position 466. This changes the amino acid from a lysine to a stop codon within coding exon 5. This variant is considered to be rare based on population cohorts in the Genome Aggregation Database (gnomAD). Loss-of-function variants in LZTR1 are related to an increased risk for schwannomas and autosomal recessive Noonan syndrome; however, such associations with autosomal dominant Noonan syndrome have not been observed (Piotrowski A et al. Nat Genet. 2014 Feb;46:182-7; Yamamoto GL et al. J Med Genet. 2015 Jun;52:413-21; Johnston JJ et al. Genet Med. 2018 10;20:1175-1185). This alteration is expected to result in loss of function by premature protein truncation or nonsense-mediated mRNA decay. Based on the supporting evidence, this variant is pathogenic for an increased risk of LZTR1-related schwannomatosis (SWN) and would be expected to cause autosomal recessive Noonan syndrome when present along with a second pathogenic or likely pathogenic variant on the other allele; however, the association of this alteration with autosomal dominant Noonan syndrome is unlikely.